The following is an entry in ClinVar:

NM_000321.3(RB1):c.1749T>G (p.Thr583=)

Gene: RB1 (RB transcriptional corepressor 1; plus strand). Cytogenetic location: 13q14.2.
Variant type: single nucleotide variant.
Coding change: c.1749T>G on transcript NM_000321.3 (MANE Select); coding-DNA position 1749, T replaced by G.
Protein change: p.Thr583=; no amino-acid change (threonine 583 retained).
Molecular consequence: synonymous variant.
Genome position (GRCh38, 1-based): chr13:48,453,046, T>G. VCF-style: chr13-48453046-T-G. GRCh37 (hg19) VCF-style: chr13-49027182-T-G.
Identifiers: ClinVar variation 819983 (VCV000819983.13), dbSNP rs913654931, ClinGen allele CA249305446.

ClinVar aggregate classification (germline): Benign/Likely benign. Review status: criteria provided, multiple submitters, no conflicts (2 of 4 stars). 4 submissions from 4 submitters: Benign (1); Likely benign (3). Last evaluated 2026-06-24.

Conditions:
Retinoblastoma (RB1). Also called: RETINOBLASTOMA, SOMATIC. Identifiers: Orphanet 790, MedGen C0035335, MeSH D012175, MONDO:0008380, OMIM 180200, HP:0009919. Disease mechanism: loss of function. Inheritance: Both sporadic and heritable forms are tested..
Hereditary cancer-predisposing syndrome. Also called: Tumor predisposition; Hereditary Cancer Syndrome; Hereditary neoplastic syndrome; Neoplastic Syndromes, Hereditary. Identifiers: Orphanet 140162, MedGen C0027672, MeSH D009386, MONDO:0015356.

Allele frequency attached by ClinVar (database versions not stated): gnomAD exomes below 0.00001; TOPMed 0.00002; gnomAD 0.00001.
gnomAD v4.1: 3 of 1,613,202 alleles (0.00019%); highest among the groups gnomAD compares: Non-Finnish European, 0.00025%; no homozygotes.

Submissions (4):

Myriad Genetics, Inc.
Classification: Benign for Retinoblastoma. Last evaluated: 2026-06-24. Review status: criteria provided, single submitter. Criteria: Myriad Autosomal Dominant, Autosomal Recessive and X-Linked Classification Criteria (2023). Collection method: clinical testing. Allele origin: unknown.
Comment: This variant is considered benign. This variant is a silent/synonymous amino acid change and it is not expected to impact splicing.

Color Diagnostics, LLC DBA Color Health
Classification: Likely benign for Retinoblastoma. Last evaluated: 2025-08-30. Review status: criteria provided, single submitter. Criteria: ACMG Guidelines, 2015. Collection method: clinical testing. Allele origin: germline.

Labcorp Genetics (formerly Invitae), Labcorp
Classification: Likely benign for Retinoblastoma. Last evaluated: 2024-10-12. Review status: criteria provided, single submitter. Criteria: Invitae Variant Classification Sherloc (09022015). Collection method: clinical testing. Allele origin: germline.

Ambry Genetics
Classification: Likely benign for Hereditary cancer-predisposing syndrome. Last evaluated: 2019-05-19. Review status: criteria provided, single submitter. Criteria: Ambry Variant Classification Scheme 2023. Collection method: clinical testing. Allele origin: germline.